The following is an entry in ClinVar:

NM_017780.4(CHD7):c.20T>C (p.Met7Thr)

Gene: CHD7 (chromodomain helicase DNA binding protein 7; plus strand). Cytogenetic location: 8q12.2.
Variant type: single nucleotide variant.
Coding change: c.20T>C on transcript NM_017780.4 (MANE Select); coding-DNA position 20, T replaced by C.
Protein change: p.Met7Thr; replaces methionine 7 with threonine.
Molecular consequence: missense variant.
Genome position (GRCh38, 1-based): chr8:60,741,452, T>C. VCF-style: chr8-60741452-T-C. GRCh37 (hg19) VCF-style: chr8-61654011-T-C.
Other names: c.20T>C, p.Met7Thr (NM_001316690.1); short protein forms M7T.
Identifiers: ClinVar variation 4976415 (VCV004976415.1).

ClinVar aggregate classification (germline): Uncertain significance (1 of 4 stars; one submission).

Submission:

GeneDx
Classification: Uncertain significance. Last evaluated: 2026-02-12. Review status: criteria provided, single submitter. Criteria: GeneDx Variant Classification Process June 2021. Collection method: clinical testing. Allele origin: germline.
Comment: Not observed at significant frequency in large population cohorts (gnomAD); In silico analysis supports that this missense variant has a deleterious effect on protein structure/function; Has not been previously published as pathogenic or benign to our knowledge